The following is an entry in ClinVar:

ClinVar aggregate classification (germline): Conflicting classifications of pathogenicity. Review status: criteria provided, conflicting classifications (1 of 4 stars). 2 submissions from 2 submitters: Uncertain significance (1); Likely benign (1). Last evaluated 2025-09-27.

Allele frequency attached by ClinVar (database versions not stated): gnomAD exomes 0.00001; TOPMed 0.00001.
gnomAD v4.1: 16 of 1,614,132 alleles (0.00099%); highest among the groups gnomAD compares: Non-Finnish European, 0.0013%; no homozygotes.

Submissions (2):

Labcorp Genetics (formerly Invitae), Labcorp
Classification: Uncertain significance. Last evaluated: 2025-09-27. Review status: criteria provided, single submitter. Criteria: Invitae Variant Classification Sherloc (09022015). Collection method: clinical testing. Allele origin: germline.
Comment: This sequence change replaces tryptophan, which is neutral and slightly polar, with arginine, which is basic and polar, at codon 837 of the A2ML1 protein (p.Trp837Arg). This variant is not present in population databases (gnomAD no frequency). This variant has not been reported in the literature in individuals affected with A2ML1-related conditions. ClinVar contains an entry for this variant (Variation ID: 1051775). An algorithm developed to predict the effect of missense changes on protein structure and function outputs the following: PolyPhen-2: "Benign". The arginine amino acid residue is found in multiple mammalian species, which suggests that this missense change does not adversely affect protein function. In summary, the available evidence is currently insufficient to determine the role of this variant in disease. Therefore, it has been classified as a Variant of Uncertain Significance.

Ambry Genetics
Classification: Likely benign. Last evaluated: 2025-06-28. Review status: criteria provided, single submitter. Criteria: Ambry Variant Classification Scheme 2023. Collection method: clinical testing. Allele origin: germline.

NM_144670.6(A2ML1):c.2509T>C (p.Trp837Arg)

Gene: A2ML1 (alpha-2-macroglobulin like 1; plus strand). Cytogenetic location: 12p13.31.
Variant type: single nucleotide variant.
Coding change: c.2509T>C on transcript NM_144670.6 (MANE Select); coding-DNA position 2509, T replaced by C.
Protein change: p.Trp837Arg; replaces tryptophan 837 with arginine.
Molecular consequence: missense variant.
Genome position (GRCh38, 1-based): chr12:8,852,255, T>C. VCF-style: chr12-8852255-T-C. GRCh37 (hg19) VCF-style: chr12-9004851-T-C.
Other names: c.1036T>C, p.Trp346Arg (NM_001282424.3); c.2509T>C (NM_144670.3); short protein forms W346R, W837R.
Identifiers: ClinVar variation 1051775 (VCV001051775.11), dbSNP rs1439490873, ClinGen allele CA383833644.